The following is an entry in ClinVar:

ClinVar aggregate classification (germline): Uncertain significance (1 of 4 stars; one submission).

Conditions:
Hereditary spastic paraplegia 11. Also called: SPASTIC PARAPLEGIA, AUTOSOMAL RECESSIVE, COMPLICATED, WITH THIN CORPUS CALLOSUM; SPASTIC PARAPLEGIA, AUTOSOMAL RECESSIVE, WITH MENTAL IMPAIRMENT AND THIN CORPUS CALLOSUM; Spastic paraplegia, mental retardation and thin corpus callosum; Nakamura Osame syndrome; Autosomal recessive hereditary spastic paraplegia, mental impairment, and thin corpus callosum; Spastic Paraplegia 11. Identifiers: Orphanet 2822, MedGen C1858479, MONDO:0011445, OMIM 604360.

Allele frequency attached by ClinVar (database versions not stated): gnomAD exomes below 0.00001; gnomAD 0.00001.
gnomAD v4.1: 2 of 1,614,062 alleles (0.00012%); highest among the groups gnomAD compares: African/African-American, 0.0013%; no homozygotes.

Submission:

Labcorp Genetics (formerly Invitae), Labcorp
Classification: Uncertain significance for Hereditary spastic paraplegia 11. Last evaluated: 2021-09-01. Review status: criteria provided, single submitter. Criteria: Invitae Variant Classification Sherloc (09022015). Collection method: clinical testing. Allele origin: germline.
Comment: This sequence change replaces leucine with phenylalanine at codon 465 of the SPG11 protein (p.Leu465Phe). The leucine residue is moderately conserved and there is a small physicochemical difference between leucine and phenylalanine. This variant is not present in population databases (ExAC no frequency). This variant has not been reported in the literature in individuals affected with SPG11-related conditions. Algorithms developed to predict the effect of missense changes on protein structure and function output the following: SIFT: "Tolerated"; PolyPhen-2: "Probably Damaging"; Align-GVGD: "Class C0". The phenylalanine amino acid residue is found in multiple mammalian species, which suggests that this missense change does not adversely affect protein function. In summary, the available evidence is currently insufficient to determine the role of this variant in disease. Therefore, it has been classified as a Variant of Uncertain Significance.

NM_025137.4(SPG11):c.1393C>T (p.Leu465Phe)

Gene: SPG11 (SPG11 vesicle trafficking associated, spatacsin; minus strand). Cytogenetic location: 15q21.1.
Variant type: single nucleotide variant.
Coding change: c.1393C>T on transcript NM_025137.4 (MANE Select); coding-DNA position 1393, C replaced by T.
Protein change: p.Leu465Phe; replaces leucine 465 with phenylalanine.
Molecular consequence: missense variant.
Genome position (GRCh38, 1-based): chr15:44,651,554, G>A on the plus strand (C>T on the coding strand, the complement: SPG11 is on the minus strand). VCF-style: chr15-44651554-G-A. GRCh37 (hg19) VCF-style: chr15-44943752-G-A.
Other names: c.1393C>T, p.Leu465Phe (NM_001160227.2); short protein forms L465F.
Identifiers: ClinVar variation 859521 (VCV000859521.7), dbSNP rs2084776558, ClinGen allele CA392235939.